The following is an entry in ClinVar:

NM_002087.4(GRN):c.100C>T (p.Pro34Ser)

Gene: GRN (granulin precursor; plus strand). Cytogenetic location: 17q21.31.
Variant type: single nucleotide variant.
Coding change: c.100C>T on transcript NM_002087.4 (MANE Select); coding-DNA position 100, C replaced by T.
Protein change: p.Pro34Ser; replaces proline 34 with serine.
Molecular consequence: missense variant.
Genome position (GRCh38, 1-based): chr17:44,349,264, C>T. VCF-style: chr17-44349264-C-T. GRCh37 (hg19) VCF-style: chr17-42426632-C-T.
Other names: short protein forms P34S.
Identifiers: ClinVar variation 1052582 (VCV001052582.7), dbSNP rs748147151, ClinGen allele CA8601747.

ClinVar aggregate classification (germline): Uncertain significance (1 of 4 stars; one submission).

Conditions:
GRN-related frontotemporal lobar degeneration with Tdp43 inclusions (FTD2). Also called: DEMENTIA, HEREDITARY DYSPHASIC DISINHIBITION; FRONTOTEMPORAL LOBAR DEGENERATION WITH UBIQUITIN-POSITIVE INCLUSIONS; FTLD-TDP, GRN-RELATED; GRN Frontotemporal Dementia; FRONTOTEMPORAL DEMENTIA WITH TDP43 INCLUSIONS, GRN-RELATED. Identifiers: Orphanet 100070, Orphanet 282, MedGen C1843792, MONDO:0011842, OMIM 607485. Disease mechanism: loss of function.
Neuronal ceroid lipofuscinosis 11. Also called: GRN-Related Neuronal Ceroid-Lipofuscinosis. Identifiers: Orphanet 314629, Orphanet 79262, MedGen C3539123, MONDO:0013866, OMIM 614706.

Allele frequency attached by ClinVar (database versions not stated): gnomAD 0.00001; ExAC 0.00002; TOPMed 0.00002.

Submission:

Labcorp Genetics (formerly Invitae), Labcorp
Classification: Uncertain significance for Neuronal ceroid lipofuscinosis 11; GRN-related frontotemporal lobar degeneration with Tdp43 inclusions. Last evaluated: 2024-10-26. Review status: criteria provided, single submitter. Criteria: Invitae Variant Classification Sherloc (09022015). Collection method: clinical testing. Allele origin: germline.
Comment: This sequence change replaces proline, which is neutral and non-polar, with serine, which is neutral and polar, at codon 34 of the GRN protein (p.Pro34Ser). This variant is present in population databases (rs748147151, gnomAD 0.009%). This missense change has been observed in individual(s) with behavioral variant frontotemporal dementia (PMID: 24022032). ClinVar contains an entry for this variant (Variation ID: 1052582). An algorithm developed to predict the effect of missense changes on protein structure and function (PolyPhen-2) suggests that this variant is likely to be tolerated. In summary, the available evidence is currently insufficient to determine the role of this variant in disease. Therefore, it has been classified as a Variant of Uncertain Significance.

Literature cited by the submitters: PubMed 24022032.